The following is an entry in ClinVar:

NM_001379500.1(COL18A1):c.2375C>T (p.Pro792Leu)

Gene: COL18A1 (collagen type XVIII alpha 1 chain; plus strand). Cytogenetic location: 21q22.3.
Variant type: single nucleotide variant.
Coding change: c.2375C>T on transcript NM_001379500.1 (MANE Select); coding-DNA position 2375, C replaced by T.
Protein change: p.Pro792Leu; replaces proline 792 with leucine.
Molecular consequence: missense variant.
Genome position (GRCh38, 1-based): chr21:45,494,567, C>T. VCF-style: chr21-45494567-C-T. GRCh37 (hg19) VCF-style: chr21-46914481-C-T.
Other names: c.2915C>T, p.Pro972Leu (NM_030582.4); c.3620C>T, p.Pro1207Leu (NM_130444.3); short protein forms P792L, P972L, P1207L.
Identifiers: ClinVar variation 1418163 (VCV001418163.3), dbSNP rs779048807, ClinGen allele CA10067025.

ClinVar aggregate classification (germline): Uncertain significance (1 of 4 stars; one submission).

Allele frequency attached by ClinVar (database versions not stated): gnomAD exomes below 0.00001; ExAC 0.00001.
gnomAD v4.1: 7 of 1,613,226 alleles (0.00043%); highest among the groups gnomAD compares: Non-Finnish European, 0.00059%; no homozygotes.

Submission:

Labcorp Genetics (formerly Invitae), Labcorp
Classification: Uncertain significance. Last evaluated: 2022-10-05. Review status: criteria provided, single submitter. Criteria: Invitae Variant Classification Sherloc (09022015). Collection method: clinical testing. Allele origin: germline.
Comment: This sequence change replaces proline, which is neutral and non-polar, with leucine, which is neutral and non-polar, at codon 792 of the COL18A1 protein (p.Pro792Leu). This variant is present in population databases (rs779048807, gnomAD 0.0009%). This variant has not been reported in the literature in individuals affected with COL18A1-related conditions. ClinVar contains an entry for this variant (Variation ID: 1418163). Experimental studies and prediction algorithms are not available or were not evaluated, and the functional significance of this variant is currently unknown. In summary, the available evidence is currently insufficient to determine the role of this variant in disease. Therefore, it has been classified as a Variant of Uncertain Significance.